The following is an entry in ClinVar:

NM_005204.4(MAP3K8):c.336+5G>A

Gene: MAP3K8 (mitogen-activated protein kinase kinase kinase 8; plus strand). Cytogenetic location: 10p11.23.
Variant type: single nucleotide variant.
Coding change: c.336+5G>A on transcript NM_005204.4 (MANE Select); 5 bases into the intron after coding-DNA position 336, G replaced by A.
Molecular consequence: intron variant.
Genome position (GRCh38, 1-based): chr10:30,439,279, G>A. VCF-style: chr10-30439279-G-A. GRCh37 (hg19) VCF-style: chr10-30728208-G-A.
Other names: c.336+5G>A (NM_001244134.1, NM_001320961.2).
Identifiers: ClinVar variation 2827975 (VCV002827975.3), dbSNP rs1482197895, ClinGen allele CA376436080.

ClinVar aggregate classification (germline): Uncertain significance (1 of 4 stars; one submission).

Allele frequency attached by ClinVar (database versions not stated): gnomAD exomes below 0.00001; TOPMed below 0.00001; gnomAD 0.00001.
gnomAD v4.1: 3 of 1,613,968 alleles (0.00019%); highest among the groups gnomAD compares: African/African-American, 0.0013%; no homozygotes.

Submission:

Labcorp Genetics (formerly Invitae), Labcorp
Classification: Uncertain significance. Last evaluated: 2023-12-03. Review status: criteria provided, single submitter. Criteria: Invitae Variant Classification Sherloc (09022015). Collection method: clinical testing. Allele origin: germline.
Comment: This sequence change falls in intron 3 of the MAP3K8 gene. It does not directly change the encoded amino acid sequence of the MAP3K8 protein. It affects a nucleotide within the consensus splice site. This variant is not present in population databases (gnomAD no frequency). This variant has not been reported in the literature in individuals affected with MAP3K8-related conditions. Variants that disrupt the consensus splice site are a relatively common cause of aberrant splicing (PMID: 17576681, 9536098). Algorithms developed to predict the effect of sequence changes on RNA splicing suggest that this variant may disrupt the consensus splice site. In summary, the available evidence is currently insufficient to determine the role of this variant in disease. Therefore, it has been classified as a Variant of Uncertain Significance.

Literature cited by the submitters: PubMed 17576681; PubMed 9536098.